The following is an entry in ClinVar:

NM_000059.4(BRCA2):c.4224_4227del (p.Thr1410fs)

Gene: BRCA2 (BRCA2 DNA repair associated; plus strand). Cytogenetic location: 13q13.1.
Variant type: Deletion.
Coding change: c.4224_4227del on transcript NM_000059.4 (MANE Select); coding-DNA positions 4224 to 4227, 4 bases deleted (GTTA; older notation c.4224_4227delGTTA).
Protein change: p.Thr1410fs; shifts the reading frame from threonine 1410.
Molecular consequence: frameshift variant.
Genome position (GRCh38, 1-based): chr13:32,338,579-32,338,582, GTTA deleted; deleting any 4 consecutive bases within chr13:32,338,578-32,338,582 gives the same sequence; the c. name uses the placement nearest the transcript's 3' end. VCF-style (leftmost placement, unchanged base first): chr13-32338577-CAGTT-C. GRCh37 (hg19) VCF-style: chr13-32912714-CAGTT-C.
Other names: short protein forms T1410fs.
Identifiers: ClinVar variation 1453855 (VCV001453855.6), dbSNP rs2072499259, ClinGen allele CA954694064.

ClinVar aggregate classification (germline): Pathogenic (1 of 4 stars; one submission).

Conditions:
Hereditary breast ovarian cancer syndrome. Also called: Hereditary breast and ovarian cancer; Hereditary breast and ovarian cancer syndrome (HBOC); Breast and ovarian cancer; Hereditary breast and ovarian cancer syndrome; Hereditary breast and/or ovarian cancer syndrome; BRCA1- and BRCA2-Associated Hereditary Breast and Ovarian Cancer. Identifiers: Orphanet 145, MedGen C0677776, MeSH D061325, MONDO:0003582. Disease mechanism: loss of function.

Submission:

Labcorp Genetics (formerly Invitae), Labcorp
Classification: Pathogenic for Hereditary breast ovarian cancer syndrome. Last evaluated: 2023-12-18. Review status: criteria provided, single submitter. Criteria: Invitae Variant Classification Sherloc (09022015). Collection method: clinical testing. Allele origin: germline.
Comment: This sequence change creates a premature translational stop signal (p.Thr1410Leufs*8) in the BRCA2 gene. It is expected to result in an absent or disrupted protein product. Loss-of-function variants in BRCA2 are known to be pathogenic (PMID: 20104584). This variant is not present in population databases (gnomAD no frequency). This variant has not been reported in the literature in individuals affected with BRCA2-related conditions. ClinVar contains an entry for this variant (Variation ID: 1453855). For these reasons, this variant has been classified as Pathogenic.

Literature cited by the submitters: PubMed 20104584.